The following is an entry in ClinVar:

NM_152722.5(HEPACAM):c.1127C>T (p.Ser376Leu)

Gene: HEPACAM (hepatic and glial cell adhesion molecule; minus strand). Cytogenetic location: 11q24.2.
Variant type: single nucleotide variant.
Coding change: c.1127C>T on transcript NM_152722.5 (MANE Select); coding-DNA position 1127, C replaced by T.
Protein change: p.Ser376Leu; replaces serine 376 with leucine.
Molecular consequence: missense variant.
Genome position (GRCh38, 1-based): chr11:124,921,262, G>A on the plus strand (C>T on the coding strand, the complement: HEPACAM is on the minus strand). VCF-style: chr11-124921262-G-A. GRCh37 (hg19) VCF-style: chr11-124791158-G-A.
Other names: c.1127C>T (NM_152722.4); short protein forms S376L.
Identifiers: ClinVar variation 1431540 (VCV001431540.7), dbSNP rs377077795, ClinGen allele CA230384087.

ClinVar aggregate classification (germline): Uncertain significance. Review status: criteria provided, multiple submitters, no conflicts (2 of 4 stars). 3 submissions from 3 submitters: Uncertain significance (3). Last evaluated 2024-07-03.

Conditions:
Inborn genetic diseases. Identifiers: MedGen C0950123, MeSH D030342.

Allele frequency attached by ClinVar (database versions not stated): gnomAD exomes 0.00001; gnomAD 0.00002 and 0.00003; TOPMed 0.00005; 1000 Genomes Project 30x 0.00016; 1000 Genomes Project 0.00020.
gnomAD v4.1: 21 of 1,400,160 alleles (0.0015%); highest among the groups gnomAD compares: East Asian, 0.021%; no homozygotes.

Submissions (3):

Labcorp Genetics (formerly Invitae), Labcorp
Classification: Uncertain significance. Last evaluated: 2024-07-03. Review status: criteria provided, single submitter. Criteria: Invitae Variant Classification Sherloc (09022015). Collection method: clinical testing. Allele origin: germline.
Comment: This sequence change replaces serine, which is neutral and polar, with leucine, which is neutral and non-polar, at codon 376 of the HEPACAM protein (p.Ser376Leu). This variant is not present in population databases (gnomAD no frequency). This variant has not been reported in the literature in individuals affected with HEPACAM-related conditions. ClinVar contains an entry for this variant (Variation ID: 1431540). An algorithm developed to predict the effect of missense changes on protein structure and function (PolyPhen-2) suggests that this variant¬†is likely to be tolerated. In summary, the available evidence is currently insufficient to determine the role of this variant in disease. Therefore, it has been classified as a Variant of Uncertain Significance.

Blueprint Genetics
Classification: Uncertain significance. Last evaluated: 2024-01-04. Review status: criteria provided, single submitter. Criteria: ACMG Guidelines, 2015. Collection method: clinical testing. Allele origin: germline.

Ambry Genetics
Classification: Uncertain significance for Inborn genetic diseases. Last evaluated: 2023-12-08. Review status: criteria provided, single submitter. Criteria: Ambry Variant Classification Scheme 2023. Collection method: clinical testing. Allele origin: germline.